The following is an entry in ClinVar:

NM_015443.4(KANSL1):c.1658A>T (p.Gln553Leu)

Gene: KANSL1 (KAT8 regulatory NSL complex subunit 1). Cytogenetic location: 17q21.31.
Variant type: single nucleotide variant.
Coding change: c.1658A>T on transcript NM_015443.4 (MANE Select); coding-DNA position 1658, A replaced by T.
Protein change: p.Gln553Leu; replaces glutamine 553 with leucine.
Molecular consequence: missense variant.
Genome position (GRCh38, 1-based): chr17:46,066,727, T>A on the plus strand (A>T on the coding strand, the complement: KANSL1 is on the minus strand). VCF-style: chr17-46066727-T-A. GRCh37 (hg19) VCF-style: chr17-44144093-T-A.
Other names: c.1658A>T, p.Gln553Leu (NM_001193465.2, NM_001193466.2, NM_001379198.1 and 14 more transcripts); c.1556A>T, p.Gln519Leu (NM_001405859.1, NM_001405860.1, NM_001405861.1 and 1 more transcripts); c.392A>T, p.Gln131Leu (NM_001405883.1, NM_001405884.1, NM_001405885.1 and 1 more transcripts); short protein forms Q131L, Q519L, Q553L.
Identifiers: ClinVar variation 4795475 (VCV004795475.1).

ClinVar aggregate classification (germline): Uncertain significance (1 of 4 stars; one submission).

Submission:

GeneDx
Classification: Uncertain significance. Last evaluated: 2025-01-24. Review status: criteria provided, single submitter. Criteria: GeneDx Variant Classification Process June 2021. Collection method: clinical testing. Allele origin: germline. Affected: yes.
Comment: Not observed at significant frequency in large population cohorts (gnomAD); In silico analysis supports a deleterious effect on splicing; In silico analysis supports that this missense variant has a deleterious effect on protein structure/function; Missense variant in a gene in which most reported pathogenic variants are truncating/loss of function; Has not been previously published as pathogenic or benign to our knowledge